The following is an entry in ClinVar:

NM_004320.6(ATP2A1):c.1688C>T (p.Ala563Val)

Gene: ATP2A1 (ATPase sarcoplasmic/endoplasmic reticulum Ca2+ transporting 1; plus strand). Cytogenetic location: 16p11.2.
Variant type: single nucleotide variant.
Coding change: c.1688C>T on transcript NM_004320.6 (MANE Select); coding-DNA position 1688, C replaced by T.
Protein change: p.Ala563Val; replaces alanine 563 with valine.
Molecular consequence: missense variant.
Genome position (GRCh38, 1-based): chr16:28,898,375, C>T. VCF-style: chr16-28898375-C-T. GRCh37 (hg19) VCF-style: chr16-28909696-C-T.
Other names: c.1313C>T, p.Ala438Val (NM_001286075.2); c.1688C>T, p.Ala563Val (NM_173201.5); short protein forms A438V, A563V.
Identifiers: ClinVar variation 1984206 (VCV001984206.1), dbSNP rs1963975566, ClinGen allele CA395409885.

ClinVar aggregate classification (germline): Uncertain significance (1 of 4 stars; one submission).

Conditions:
Brody myopathy. Also called: BRODY DISEASE. Identifiers: Orphanet 53347, MedGen C1832918, MONDO:0010977, OMIM 601003.

Allele frequency attached by ClinVar (database versions not stated): TOPMed below 0.00001; gnomAD 0.00001; gnomAD exomes 0.00001.

Submission:

Labcorp Genetics (formerly Invitae), Labcorp
Classification: Uncertain significance for Brody myopathy. Last evaluated: 2022-05-20. Review status: criteria provided, single submitter. Criteria: Invitae Variant Classification Sherloc (09022015). Collection method: clinical testing. Allele origin: germline.
Comment: This sequence change replaces alanine, which is neutral and non-polar, with valine, which is neutral and non-polar, at codon 563 of the ATP2A1 protein (p.Ala563Val). This variant is not present in population databases (gnomAD no frequency). This variant has not been reported in the literature in individuals affected with ATP2A1-related conditions. Algorithms developed to predict the effect of missense changes on protein structure and function are either unavailable or do not agree on the potential impact of this missense change (SIFT: "Deleterious"; PolyPhen-2: "Benign"; Align-GVGD: "Class C0"). In summary, the available evidence is currently insufficient to determine the role of this variant in disease. Therefore, it has been classified as a Variant of Uncertain Significance.